The following is an entry in ClinVar:

NM_013265.4(VPS51):c.1527del (p.Cys509fs)

Gene: VPS51 (VPS51 subunit of GARP complex; plus strand). Cytogenetic location: 11q13.1.
Variant type: Deletion.
Coding change: c.1527del on transcript NM_013265.4 (MANE Select); coding-DNA position 1527, one base deleted (C; older notation c.1527delC).
Protein change: p.Cys509fs; shifts the reading frame from cysteine 509.
Molecular consequence: frameshift variant. On other transcripts: non-coding transcript variant (1).
Genome position (GRCh38, 1-based): chr11:65,109,363, C deleted. VCF-style (leftmost placement, unchanged base first): chr11-65109362-GC-G. GRCh37 (hg19) VCF-style: chr11-64876834-GC-G.
Other names: c.1527delC (NM_013265.4); short protein forms C509fs.
Identifiers: ClinVar variation 3630044 (VCV003630044.1).

ClinVar aggregate classification (germline): Uncertain significance (1 of 4 stars; one submission).

Submission:

Women's Health and Genetics/Laboratory Corporation of America, LabCorp
Classification: Uncertain significance. Last evaluated: 2024-11-18. Review status: criteria provided, single submitter. Criteria: LabCorp Variant Classification Summary - May 2015. Collection method: clinical testing. Allele origin: germline.
Comment: Variant summary: VPS51 c.1527delC (p.Cys509TrpfsX50) results in a premature termination codon, predicted to cause a truncation of the encoded protein or absence of the protein due to nonsense mediated decay, however current evidence is not sufficient to establish loss of function as a mechanism for disease. The variant was absent in 250528 control chromosomes. The available data on variant occurrences in the general population are insufficient to allow any conclusion about variant significance. To our knowledge, no occurrence of c.1527delC in individuals affected with Pontocerebellar Hypoplasia, Type 13 and no experimental evidence demonstrating its impact on protein function have been reported. No submitters have cited clinical-significance assessments for this variant to ClinVar. Based on the evidence outlined above, the variant was classified as uncertain significance.